The following is an entry in ClinVar:

ClinVar aggregate classification (germline): Likely benign (1 of 4 stars; one submission).

gnomAD v4.1: 5 of 1,451,342 alleles (0.00034%); highest among the groups gnomAD compares: Non-Finnish European, 0.00046%; no homozygotes.

Submission:

CeGaT Center for Human Genetics Tuebingen
Classification: Likely benign. Last evaluated: 2024-08-01. Review status: criteria provided, single submitter. Criteria: CeGaT Center For Human Genetics Tuebingen Variant Classification Criteria Version 2. Collection method: clinical testing. Allele origin: germline. Affected: yes. Observed: 1 variant allele.
Comment: UFM1: BP4, BP7

NM_016617.4(UFM1):c.138A>C (p.Thr46=)

Gene: UFM1 (ubiquitin fold modifier 1; plus strand). Cytogenetic location: 13q13.3.
Variant type: single nucleotide variant.
Coding change: c.138A>C on transcript NM_016617.4 (MANE Select); coding-DNA position 138, A replaced by C.
Protein change: p.Thr46=; no amino-acid change (threonine 46 retained).
Molecular consequence: synonymous variant. On other transcripts: non-coding transcript variant (1).
Genome position (GRCh38, 1-based): chr13:38,358,113, A>C. VCF-style: chr13-38358113-A-C. GRCh37 (hg19) VCF-style: chr13-38932250-A-C.
Other names: c.132A>C, p.Thr44= (NM_001286703.2); c.192A>C, p.Thr64= (NM_001286704.2); c.138A>C, p.Thr46= (NM_001286705.2, NM_001286706.2).
Identifiers: ClinVar variation 3341971 (VCV003341971.16).